The following is an entry in ClinVar:

ClinVar aggregate classification (germline): Likely benign (0 of 4 stars; one submission).

Conditions:
UACA-related disorder. Also called: UACA-related condition.

Allele frequency attached by ClinVar (database versions not stated): gnomAD 0.00007; gnomAD exomes 0.00015; TOPMed 0.00016; 1000 Genomes Project 0.00020; 1000 Genomes Project 30x 0.00031; ExAC 0.00033.
gnomAD v4.1: 101 of 1,613,880 alleles (0.0063%); highest among the groups gnomAD compares: Admixed American, 0.16%; 1 homozygote.

Submission:

PreventionGenetics, part of Exact Sciences
Classification: Likely benign for UACA-related condition. Last evaluated: 2019-11-27. Review status: no assertion criteria provided. Collection method: clinical testing. Allele origin: germline.
Comment: This variant is classified as likely benign based on ACMG/AMP sequence variant interpretation guidelines (Richards et al. 2015 PMID: 25741868, with internal and published modifications).

NM_018003.4(UACA):c.1863G>A (p.Ala621=)

Gene: UACA (uveal autoantigen with coiled-coil domains and ankyrin repeats; minus strand). Cytogenetic location: 15q23.
Variant type: single nucleotide variant.
Coding change: c.1863G>A on transcript NM_018003.4 (MANE Select); coding-DNA position 1863, G replaced by A.
Protein change: p.Ala621=; no amino-acid change (alanine 621 retained).
Molecular consequence: synonymous variant.
Genome position (GRCh38, 1-based): chr15:70,668,821, C>T on the plus strand (G>A on the coding strand, the complement: UACA is on the minus strand). VCF-style: chr15-70668821-C-T. GRCh37 (hg19) VCF-style: chr15-70961160-C-T.
Other names: c.1824G>A, p.Ala608= (NM_001008224.3).
Identifiers: ClinVar variation 3048604 (VCV003048604.2), dbSNP rs189747910, ClinGen allele CA7637087.
Genomic context (GRCh38, chr15:70,668,821, plus strand): 5'-ATTTGATAATGAGCTCTTCATGTTTTCAAATTTTTCAGCTGGAATGGAAAGGGCCAACTT[C>T]GCTGACAATTCTTTTGCCTGGCCTTCCATCTCTGTGACCTTTCTTCCTTTCTTCTCTCGC-3'
Protein context (NP_060473.2, residues 611-631): EMEGQAKELS[Ala621=]KLALSIPAEK